The following is an entry in ClinVar:

ClinVar aggregate classification (germline): Uncertain significance (1 of 4 stars; one submission).

Conditions:
CHARGE syndrome (CHARGE). Also called: Coloboma, heart anomaly, choanal atresia, retardation, genital and ear anomalies; CHARGE association; Hall-Hittner syndrome; Hittner Hirsch Kreh syndrome; CHARGE ASSOCIATION--COLOBOMA, HEART ANOMALY, CHOANAL ATRESIA, RETARDATION, GENITAL AND EAR ANOMALIES. Identifiers: Orphanet 138, MedGen C0265354, MONDO:0008965.

Submission:

Labcorp Genetics (formerly Invitae), Labcorp
Classification: Uncertain significance for CHARGE syndrome. Last evaluated: 2021-05-21. Review status: criteria provided, single submitter. Criteria: Invitae Variant Classification Sherloc (09022015). Collection method: clinical testing. Allele origin: germline.
Comment: This sequence change replaces glutamic acid with lysine at codon 1421 of the CHD7 protein (p.Glu1421Lys). The glutamic acid residue is highly conserved and there is a small physicochemical difference between glutamic acid and lysine. Advanced modeling of protein sequence and biophysical properties (such as structural, functional, and spatial information, amino acid conservation, physicochemical variation, residue mobility, and thermodynamic stability) performed at Invitae indicates that this missense variant is expected to disrupt CHD7 protein function. This variant is not present in population databases (ExAC no frequency). This variant has not been reported in the literature in individuals with CHD7-related conditions. In summary, the available evidence is currently insufficient to determine the role of this variant in disease. Therefore, it has been classified as a Variant of Uncertain Significance.

NM_017780.4(CHD7):c.4261G>A (p.Glu1421Lys)

Gene: CHD7 (chromodomain helicase DNA binding protein 7; plus strand). Cytogenetic location: 8q12.2.
Variant type: single nucleotide variant.
Coding change: c.4261G>A on transcript NM_017780.4 (MANE Select); coding-DNA position 4261, G replaced by A.
Protein change: p.Glu1421Lys; replaces glutamic acid 1421 with lysine.
Molecular consequence: missense variant. On other transcripts: intron variant (1).
Genome position (GRCh38, 1-based): chr8:60,837,743, G>A. VCF-style: chr8-60837743-G-A. GRCh37 (hg19) VCF-style: chr8-61750302-G-A.
Other names: c.1717-24486G>A (NM_001316690.1); short protein forms E1421K.
Identifiers: ClinVar variation 1462011 (VCV001462011.8), dbSNP rs2150778664, ClinGen allele CA371317812.